The following is an entry in ClinVar:

NM_031844.3(HNRNPU):c.1230+1G>C

Gene: HNRNPU (heterogeneous nuclear ribonucleoprotein U; minus strand). Cytogenetic location: 1q44.
Variant type: single nucleotide variant.
Coding change: c.1230+1G>C on transcript NM_031844.3 (MANE Select); the canonical splice donor site of the intron after coding-DNA position 1230, G replaced by C.
Molecular consequence: splice donor variant.
Genome position (GRCh38, 1-based): chr1:244,858,728, C>G on the plus strand (G>C on the coding strand, the complement: HNRNPU is on the minus strand). VCF-style: chr1-244858728-C-G. GRCh37 (hg19) VCF-style: chr1-245022030-C-G.
Other names: c.1173+1G>C (NM_004501.3).
Identifiers: ClinVar variation 1325815 (VCV001325815.1), dbSNP rs2102987091, ClinGen allele CA345492103.

ClinVar aggregate classification (germline): Pathogenic (1 of 4 stars; one submission).

Conditions:
Developmental and epileptic encephalopathy, 54. Also called: HNRNPU-Related Neurodevelopmental Disorder; Epileptic encephalopathy, early infantile, 54. Identifiers: MedGen C4479319, MONDO:0033363, OMIM 617391.

Submission:

Institute of Human Genetics, University of Leipzig Medical Center
Classification: Pathogenic for Developmental and epileptic encephalopathy, 54. Last evaluated: 2021-11-03. Review status: criteria provided, single submitter. Criteria: ACMG Guidelines, 2015. Collection method: clinical testing. Allele origin: de novo. Affected: yes.
Comment: This variant was identified as de novo (maternity and paternity confirmed)._x000D_ Criteria applied: PVS1, PM2_SUP, PS2_MOD